The following is an entry in ClinVar:

NM_001003722.2(GLE1):c.1308del (p.Ile436fs)

Gene: GLE1 (GLE1 RNA export mediator; plus strand). Cytogenetic location: 9q34.11.
Variant type: Deletion.
Coding change: c.1308del on transcript NM_001003722.2 (MANE Select); coding-DNA position 1308, one base deleted (T; older notation c.1308delT).
Protein change: p.Ile436fs; shifts the reading frame from isoleucine 436.
Molecular consequence: frameshift variant.
Genome position (GRCh38, 1-based): chr9:128,527,521, T deleted; the last of 2 consecutive T bases (chr9:128,527,520-128,527,521); deleting either gives the same sequence. VCF-style (leftmost placement, unchanged base first): chr9-128527519-AT-A. GRCh37 (hg19) VCF-style: chr9-131289798-AT-A.
Other names: c.1308del, p.Ile436fs (NM_001411013.1, NM_001499.2); short protein forms I436fs.
Identifiers: ClinVar variation 2968140 (VCV002968140.3), dbSNP rs1847337857, ClinGen allele CA1880322503.

ClinVar aggregate classification (germline): Pathogenic (1 of 4 stars; one submission).

Submission:

Labcorp Genetics (formerly Invitae), Labcorp
Classification: Pathogenic. Last evaluated: 2023-08-10. Review status: criteria provided, single submitter. Criteria: Invitae Variant Classification Sherloc (09022015). Collection method: clinical testing. Allele origin: germline.
Comment: For these reasons, this variant has been classified as Pathogenic. This variant has not been reported in the literature in individuals affected with GLE1-related conditions. This variant is not present in population databases (gnomAD no frequency). This sequence change creates a premature translational stop signal (p.Ile436Metfs*6) in the GLE1 gene. It is expected to result in an absent or disrupted protein product. Loss-of-function variants in GLE1 are known to be pathogenic (PMID: 18204449, 24243016, 27684565).

Literature cited by the submitters: PubMed 18204449; PubMed 24243016; PubMed 27684565.